The following is an entry in ClinVar:

ClinVar aggregate classification (germline): Uncertain significance (1 of 4 stars; one submission).

Submission:

Labcorp Genetics (formerly Invitae), Labcorp
Classification: Uncertain significance. Last evaluated: 2021-07-28. Review status: criteria provided, single submitter. Criteria: Invitae Variant Classification Sherloc (09022015). Collection method: clinical testing. Allele origin: germline.
Comment: This sequence change replaces arginine with lysine at codon 796 of the MYO5B protein (p.Arg796Lys). The arginine residue is highly conserved and there is a small physicochemical difference between arginine and lysine. In summary, the available evidence is currently insufficient to determine the role of this variant in disease. Therefore, it has been classified as a Variant of Uncertain Significance. Algorithms developed to predict the effect of missense changes on protein structure and function output the following: SIFT: "Deleterious"; PolyPhen-2: "Benign"; Align-GVGD: "Class C0". The lysine amino acid residue is found in multiple mammalian species, which suggests that this missense change does not adversely affect protein function. This variant has not been reported in the literature in individuals affected with MYO5B-related conditions. This variant is not present in population databases (ExAC no frequency).

NM_001080467.3(MYO5B):c.2387G>A (p.Arg796Lys)

Gene: MYO5B (myosin VB; minus strand). Cytogenetic location: 18q21.1.
Variant type: single nucleotide variant.
Coding change: c.2387G>A on transcript NM_001080467.3 (MANE Select); coding-DNA position 2387, G replaced by A.
Protein change: p.Arg796Lys; replaces arginine 796 with lysine.
Molecular consequence: missense variant.
Genome position (GRCh38, 1-based): chr18:49,906,446, C>T on the plus strand (G>A on the coding strand, the complement: MYO5B is on the minus strand). VCF-style: chr18-49906446-C-T. GRCh37 (hg19) VCF-style: chr18-47432816-C-T.
Other names: short protein forms R796K.
Identifiers: ClinVar variation 1370581 (VCV001370581.6), dbSNP rs2144150506, ClinGen allele CA402436047.
Genomic context (GRCh38, chr18:49,906,446, plus strand): 5'-TCTGCTGCCCTGAGCTGCCACAGTCTGGCTCACCTGCGGGCCAGGTGTCCCCGGCAGTAC[C>T]TCTGCAGGGTTAAGGTAGCCCCCTTCAGCCTGTGATATTTCACCTTCTGCAGCCATCCCC-3'
Protein context (NP_001073936.1, residues 786-806): RLKGATLTLQ[Arg796Lys]YCRGHLARRL